The following is an entry in ClinVar:

ClinVar aggregate classification (germline): Likely benign (0 of 4 stars; one submission).

Conditions:
CLTCL1-related disorder. Also called: CLTCL1-related condition.

Allele frequency attached by ClinVar (database versions not stated): ESP Exome Variant Server 0.00008; TOPMed 0.00009; gnomAD 0.00014; ExAC 0.00018.
gnomAD v4.1: 172 of 1,585,396 alleles (0.011%); highest among the groups gnomAD compares: Middle Eastern, 0.033%; 1 homozygote.

Submission:

PreventionGenetics, part of Exact Sciences
Classification: Likely benign for CLTCL1-related condition. Last evaluated: 2019-03-12. Review status: no assertion criteria provided. Collection method: clinical testing. Allele origin: germline.
Comment: This variant is classified as likely benign based on ACMG/AMP sequence variant interpretation guidelines (Richards et al. 2015 PMID: 25741868, with internal and published modifications).

NM_007098.4(CLTCL1):c.2013G>A (p.Leu671=)

Gene: CLTCL1 (clathrin heavy chain like 1; minus strand). Cytogenetic location: 22q11.21.
Variant type: single nucleotide variant.
Coding change: c.2013G>A on transcript NM_007098.4 (MANE Select); coding-DNA position 2013, G replaced by A.
Protein change: p.Leu671=; no amino-acid change (leucine 671 retained).
Molecular consequence: synonymous variant.
Genome position (GRCh38, 1-based): chr22:19,225,568, C>T on the plus strand (G>A on the coding strand, the complement: CLTCL1 is on the minus strand). VCF-style: chr22-19225568-C-T. GRCh37 (hg19) VCF-style: chr22-19213091-C-T.
Other names: c.2013G>A, p.Leu671= (NM_001835.4).
Identifiers: ClinVar variation 3047917 (VCV003047917.2), dbSNP rs367815723, ClinGen allele CA10098491.
Genomic context (GRCh38, chr22:19,225,568, plus strand): 5'-CTCGTGGTACTTAGAGGCCACCTGCACACACAGCTGAAGGTTCTGTCTGATGTTAGCAGA[C>T]AGCATGGCATGCAGACACTCCACAGAATCCTCCACCGATAAGGAGCCAAAGAAATTGACA-3'
Protein context (NP_009029.3, residues 661-681): EDSVECLHAM[Leu671=]SANIRQNLQL